The following is an entry in ClinVar:

ClinVar aggregate classification (germline): Likely pathogenic (1 of 4 stars; one submission).

Conditions:
Severe intellectual disability-poor language-strabismus-grimacing face-long fingers syndrome (GAND). Also called: GAND SYNDROME. Identifiers: Orphanet 363686, MedGen C3554448, MONDO:0014034, OMIM 615074.

Submission:

3billion
Classification: Likely pathogenic for Severe intellectual disability-poor language-strabismus-grimacing face-long fingers syndrome. Last evaluated: 2025-11-07. Review status: criteria provided, single submitter. Criteria: ACMG Guidelines, 2015. Collection method: clinical testing. Allele origin: germline. Affected: yes.
Comment: The variant is not observed in the gnomAD v4.1.0 dataset. Predicted Consequence/Location: Canonical splice site: predicted to alter splicing and result in a loss or disruption of normal protein function. Multiple pathogenic loss-of-function variants are reported downstream of the variant. In silico tools predict the variant to alter splicing and produce an abnormal transcript [SpliceAI: 1.00 (spliceogenicity >=0.2, non-spliceogenicity <0.1)]. Therefore, this variant is classified as Likely pathogenic according to the recommendation of ACMG/AMP guideline.

NM_020699.4(GATAD2B):c.1419+1G>C

Gene: GATAD2B (GATA zinc finger domain containing 2B; minus strand). Cytogenetic location: 1q21.3.
Variant type: single nucleotide variant.
Coding change: c.1419+1G>C on transcript NM_020699.4 (MANE Select); the canonical splice donor site of the intron after coding-DNA position 1419, G replaced by C.
Molecular consequence: splice donor variant.
Genome position (GRCh38, 1-based): chr1:153,813,249, C>G on the plus strand (G>C on the coding strand, the complement: GATAD2B is on the minus strand). VCF-style: chr1-153813249-C-G. GRCh37 (hg19) VCF-style: chr1-153785725-C-G.
Identifiers: ClinVar variation 4856144 (VCV004856144.1).